The following is an entry in ClinVar:

NM_003839.4(TNFRSF11A):c.445A>G (p.Thr149Ala)

Gene: TNFRSF11A (TNF receptor superfamily member 11a; plus strand). Cytogenetic location: 18q21.33.
Variant type: single nucleotide variant.
Coding change: c.445A>G on transcript NM_003839.4 (MANE Select); coding-DNA position 445, A replaced by G.
Protein change: p.Thr149Ala; replaces threonine 149 with alanine.
Molecular consequence: missense variant. On other transcripts: intron variant (1).
Genome position (GRCh38, 1-based): chr18:62,358,265, A>G. VCF-style: chr18-62358265-A-G. GRCh37 (hg19) VCF-style: chr18-60025498-A-G.
Other names: c.445A>G, p.Thr149Ala (NM_001270949.2, NM_001270950.2, NM_001270951.2); c.428-25A>G (NM_001278268.2); short protein forms T149A.
Identifiers: ClinVar variation 1408900 (VCV001408900.8), dbSNP rs1272941143, ClinGen allele CA402612997.

ClinVar aggregate classification (germline): Uncertain significance (1 of 4 stars; one submission).

Allele frequency attached by ClinVar (database versions not stated): gnomAD exomes below 0.00001.
gnomAD v4.1: 1 of 1,609,908 alleles (0.000062%); highest among the groups gnomAD compares: Admixed American, 0.0017%; no homozygotes.

Submission:

Labcorp Genetics (formerly Invitae), Labcorp
Classification: Uncertain significance. Last evaluated: 2022-09-07. Review status: criteria provided, single submitter. Criteria: Invitae Variant Classification Sherloc (09022015). Collection method: clinical testing. Allele origin: germline.
Comment: In summary, the available evidence is currently insufficient to determine the role of this variant in disease. Therefore, it has been classified as a Variant of Uncertain Significance. Algorithms developed to predict the effect of sequence changes on RNA splicing suggest that this variant may disrupt the consensus splice site. Algorithms developed to predict the effect of missense changes on protein structure and function (SIFT, PolyPhen-2, Align-GVGD) all suggest that this variant is likely to be disruptive. ClinVar contains an entry for this variant (Variation ID: 1408900). This variant has not been reported in the literature in individuals affected with TNFRSF11A-related conditions. This variant is present in population databases (no rsID available, gnomAD no frequency). This sequence change replaces threonine, which is neutral and polar, with alanine, which is neutral and non-polar, at codon 149 of the TNFRSF11A protein (p.Thr149Ala).